The following is an entry in ClinVar:

NM_001367823.1(ARHGEF18):c.3537T>G (p.Arg1179=)

Gene: ARHGEF18 (Rho/Rac guanine nucleotide exchange factor 18; plus strand). Cytogenetic location: 19p13.2.
Variant type: single nucleotide variant.
Coding change: c.3537T>G on transcript NM_001367823.1 (MANE Select); coding-DNA position 3537, T replaced by G.
Protein change: p.Arg1179=; no amino-acid change (arginine 1179 retained).
Molecular consequence: synonymous variant.
Genome position (GRCh38, 1-based): chr19:7,468,881, T>G. VCF-style: chr19-7468881-T-G. GRCh37 (hg19) VCF-style: chr19-7533767-T-G.
Other names: c.2973T>G (NM_001130955.1); c.2811T>G, p.Arg937= (NM_001130955.2); c.2499T>G, p.Arg833= (NM_001367824.1, NM_015318.4).
Identifiers: ClinVar variation 1164351 (VCV001164351.13), dbSNP rs10405143, ClinGen allele CA9137165.

ClinVar aggregate classification (germline): Benign. Review status: criteria provided, multiple submitters, no conflicts (2 of 4 stars). 3 submissions from 3 submitters: Benign (2). 1 of the submissions does not count toward it. Last evaluated 2026-02-04.

Conditions:
ARHGEF18-related disorder. Also called: ARHGEF18-related condition.

Allele frequency attached by ClinVar (database versions not stated): TOPMed 0.77607; 1000 Genomes Project 30x 0.79044; gnomAD exomes 0.71048 and 0.72073; ExAC 0.72365; gnomAD 0.76129 and 0.76196; ESP Exome Variant Server 0.77014; 1000 Genomes Project 0.79054.
gnomAD v4.1: 1,139,526 of 1,571,230 alleles (73%); highest among the groups gnomAD compares: African/African-American, 88%; 415,520 homozygotes.

Submissions (5):

Labcorp Genetics (formerly Invitae), Labcorp
Classification: Benign. Last evaluated: 2026-02-04. Review status: criteria provided, single submitter. Criteria: Invitae Variant Classification Sherloc (09022015). Collection method: clinical testing. Allele origin: germline.

Breakthrough Genomics
Classification: Benign. Review status: criteria provided, single submitter. Criteria: ACMG Guidelines, 2015. Collection method: not provided. Allele origin: germline. Inheritance: Autosomal recessive inheritance. Affected: yes.

PreventionGenetics, part of Exact Sciences
Classification: Benign for ARHGEF18-related condition. Last evaluated: 2019-10-16. Review status: no assertion criteria provided. Collection method: clinical testing. Allele origin: germline. Not counted in ClinVar's aggregate classification.
Comment: This variant is classified as benign based on ACMG/AMP sequence variant interpretation guidelines (Richards et al. 2015 PMID: 25741868, with internal and published modifications).

Dr. Peter K. Rogan Lab, Western University
No classification provided (evidence only). Condition: Uveal melanoma. Review status: no classification provided. Collection method: in vitro. Allele origin: not applicable. Functional consequence: retained intron. Not counted in ClinVar's aggregate classification.

Dr. Peter K. Rogan Lab, Western University
No classification provided (evidence only). Condition: Uveal melanoma. Review status: no classification provided. Collection method: in vitro. Allele origin: not applicable. Functional consequence: retained intron. Not counted in ClinVar's aggregate classification.